The following is an entry in ClinVar:

NM_194248.3(OTOF):c.2764C>T (p.Arg922Cys)

Gene: OTOF (otoferlin; minus strand). Cytogenetic location: 2p23.3.
Variant type: single nucleotide variant.
Coding change: c.2764C>T on transcript NM_194248.3 (MANE Select); coding-DNA position 2764, C replaced by T.
Protein change: p.Arg922Cys; replaces arginine 922 with cysteine.
Molecular consequence: missense variant.
Genome position (GRCh38, 1-based): chr2:26,476,230, G>A on the plus strand (C>T on the coding strand, the complement: OTOF is on the minus strand). VCF-style: chr2-26476230-G-A. GRCh37 (hg19) VCF-style: chr2-26699098-G-A.
Other names: c.2764C>T, p.Arg922Cys (NM_001287489.2); c.523C>T, p.Arg175Cys (NM_004802.4, NM_194323.3); c.694C>T, p.Arg232Cys (NM_194322.3); short protein forms R175C, R922C, R232C.
Identifiers: ClinVar variation 1501322 (VCV001501322.5), dbSNP rs754280163, ClinGen allele CA1563782.

ClinVar aggregate classification (germline): Uncertain significance (1 of 4 stars; one submission).

Allele frequency attached by ClinVar (database versions not stated): ExAC 0.00002; gnomAD 0.00002; TOPMed 0.00001.
gnomAD v4.1: 8 of 1,608,540 alleles (0.0005%); highest among the groups gnomAD compares: African/African-American, 0.004%; no homozygotes.

Submission:

Labcorp Genetics (formerly Invitae), Labcorp
Classification: Uncertain significance. Last evaluated: 2021-08-20. Review status: criteria provided, single submitter. Criteria: Invitae Variant Classification Sherloc (09022015). Collection method: clinical testing. Allele origin: germline.
Comment: This sequence change replaces arginine with cysteine at codon 922 of the OTOF protein (p.Arg922Cys). The arginine residue is highly conserved and there is a large physicochemical difference between arginine and cysteine. This variant is present in population databases (rs754280163, ExAC 0.01%). This variant has not been reported in the literature in individuals affected with OTOF-related conditions. Algorithms developed to predict the effect of missense changes on protein structure and function are either unavailable or do not agree on the potential impact of this missense change (SIFT: "Deleterious"; PolyPhen-2: "Benign"; Align-GVGD: "Class C65"). In summary, the available evidence is currently insufficient to determine the role of this variant in disease. Therefore, it has been classified as a Variant of Uncertain Significance.